The following is an entry in ClinVar:

NM_001267550.2(TTN):c.67883T>C (p.Val22628Ala)

Genes: TTN (titin; minus strand), TTN-AS1 (TTN antisense RNA 1; plus strand), LOC126806423 (CDK7 strongly-dependent group 2 enhancer GRCh37_chr2:179443309-179444508; plus strand). Cytogenetic location: 2q31.2.
Variant type: single nucleotide variant.
Coding change: c.67883T>C on transcript NM_001267550.2 (MANE Select); coding-DNA position 67883, T replaced by C.
Protein change: p.Val22628Ala; replaces valine 22628 with alanine.
Molecular consequence: missense variant.
Genome position (GRCh38, 1-based): chr2:178,579,147, A>G on the plus strand (T>C on the coding strand, the complement: TTN is on the minus strand). VCF-style: chr2-178579147-A-G. GRCh37 (hg19) VCF-style: chr2-179443874-A-G.
Other names: c.62960T>C, p.Val20987Ala (NM_001256850.1); c.40688T>C, p.Val13563Ala (NM_003319.4); c.60179T>C, p.Val20060Ala (NM_133378.4); c.41063T>C, p.Val13688Ala (NM_133432.3); c.41264T>C, p.Val13755Ala (NM_133437.4); short protein forms V13755A, V22628A, V20060A, V13688A, V20987A, V13563A.
Identifiers: ClinVar variation 5000170 (VCV005000170.1).
Genomic context (GRCh38, chr2:178,579,147, plus strand): 5'-GTGGGGATGCCAGGCTTGCCAACAACCTTTATGGAGATAGTTCCTTCCTTGGTGCCAGCA[A>G]CATTCTTAAGTGTGATTGTGTATTTTCCAGCATCAGATTTTTGGCAATCGTACACTATAA-3'
Protein context (NP_001254479.2, residues 22618-22638): AGKYTITLKN[Val22628Ala]AGTKEGTISI

ClinVar aggregate classification (germline): Uncertain significance (1 of 4 stars; one submission).

Conditions:
TTN-related disorder. Also called: TTN-related disorders; TTN-related condition; TTN-related disease.

gnomAD v4.1: 6 of 1,613,452 alleles (0.00037%); highest among the groups gnomAD compares: Non-Finnish European, 0.00034%; no homozygotes.

Submission:

PreventionGenetics, part of Exact Sciences
Classification: Uncertain significance for TTN-related condition. Last evaluated: 2025-06-20. Review status: criteria provided, single submitter. Criteria: ACMG Guidelines, 2015. Collection method: clinical testing. Allele origin: germline.
Comment: The TTN c.67883T>C variant is predicted to result in the amino acid substitution p.Val22628Ala. To our knowledge, this variant has not been reported in the literature or in a large population database (gnomAD), indicating this variant is rare. At this time, the clinical significance of this variant is uncertain due to the absence of conclusive functional and genetic evidence.